The following is an entry in ClinVar:

NM_001540.5(HSPB1):c.347G>A (p.Gly116Asp)

Gene: HSPB1 (heat shock protein family B (small) member 1; plus strand). Cytogenetic location: 7q11.23.
Variant type: single nucleotide variant.
Coding change: c.347G>A on transcript NM_001540.5 (MANE Select); coding-DNA position 347, G replaced by A.
Protein change: p.Gly116Asp; replaces glycine 116 with aspartic acid.
Molecular consequence: missense variant.
Genome position (GRCh38, 1-based): chr7:76,303,059, G>A. VCF-style: chr7-76303059-G-A. GRCh37 (hg19) VCF-style: chr7-75932376-G-A.
Other names: short protein forms G116D.
Identifiers: ClinVar variation 2720347 (VCV002720347.3), dbSNP rs2117158866, ClinGen allele CA367763744.
Genomic context (GRCh38, chr7:76,303,059, plus strand): 5'-GCGTGTCCCTGGATGTCAACCACTTCGCCCCGGACGAGCTGACGGTCAAGACCAAGGATG[G>A]CGTGGTGGAGATCACCGGTGAGCCCCCCTGCTCCTGCAGGGGAGAGGAGGAGGCTAGCAG-3'
Protein context (NP_001531.1, residues 106-126): PDELTVKTKD[Gly116Asp]VVEITGKHEE

ClinVar aggregate classification (germline): Uncertain significance (1 of 4 stars; one submission).

Conditions:
Charcot-Marie-Tooth disease axonal type 2F (CMT2F). Also called: CHARCOT-MARIE-TOOTH DISEASE, NEURONAL, TYPE 2F; Charcot-Marie-Tooth Neuropathy Type 2F. Identifiers: Orphanet 99940, MedGen C1847823, MONDO:0011687, OMIM 606595.

Allele frequency attached by ClinVar (database versions not stated): gnomAD exomes below 0.00001; gnomAD 0.00001; 1000 Genomes Project 30x 0.00016.

Submission:

Labcorp Genetics (formerly Invitae), Labcorp
Classification: Uncertain significance for Charcot-Marie-Tooth disease axonal type 2F. Last evaluated: 2023-06-21. Review status: criteria provided, single submitter. Criteria: Invitae Variant Classification Sherloc (09022015). Collection method: clinical testing. Allele origin: germline.
Comment: This sequence change replaces glycine, which is neutral and non-polar, with aspartic acid, which is acidic and polar, at codon 116 of the HSPB1 protein (p.Gly116Asp). This variant is not present in population databases (gnomAD no frequency). This variant has not been reported in the literature in individuals affected with HSPB1-related conditions. Advanced modeling of protein sequence and biophysical properties (such as structural, functional, and spatial information, amino acid conservation, physicochemical variation, residue mobility, and thermodynamic stability) performed at Invitae indicates that this missense variant is expected to disrupt HSPB1 protein function. In summary, the available evidence is currently insufficient to determine the role of this variant in disease. Therefore, it has been classified as a Variant of Uncertain Significance.